The following is an entry in ClinVar:

NM_007294.4(BRCA1):c.4987-92A>G

Gene: BRCA1 (BRCA1 DNA repair associated; minus strand). Cytogenetic location: 17q21.31.
Variant type: single nucleotide variant.
Coding change: c.4987-92A>G on transcript NM_007294.4 (MANE Select); 92 bases into the intron before coding-DNA position 4987, A replaced by G.
Molecular consequence: intron variant.
Genome position (GRCh38, 1-based): chr17:43,067,787, T>C on the plus strand (A>G on the coding strand, the complement: BRCA1 is on the minus strand). VCF-style: chr17-43067787-T-C. GRCh37 (hg19) VCF-style: chr17-41219804-T-C.
Other names: IVS16-92A>G; IVS16-92A/G; IVS 16-92A>G; c.1534-92A>G (NM_001408458.1, NM_001408461.1, NM_001408464.1 and 7 more transcripts); c.4096-92A>G (NM_001407967.1); c.4606-92A>G (NM_001407959.1); c.4720-92A>G (NM_001407931.1, NM_001407932.1, NM_001407928.1 and 4 more transcripts); c.4843-92A>G (NM_001407747.1, NM_001407745.1, NM_001407737.1 and 21 more transcripts); and 74 more.
Identifiers: ClinVar variation 125749 (VCV000125749.26), dbSNP rs8176233, ClinGen allele CA003138.

ClinVar aggregate classification (germline): Benign. Review status: reviewed by expert panel (3 of 4 stars). 10 submissions from 10 submitters: Benign (1). 9 of the submissions do not count toward it. Last evaluated 2015-01-12.
ClinVar aggregate classification (somatic clinical impact): Tier IV - Benign/Likely benign (0 of 4 stars; one submission).

Conditions:
Hereditary breast ovarian cancer syndrome. Also called: Hereditary breast and/or ovarian cancer syndrome; Breast and ovarian cancer; Hereditary breast and ovarian cancer syndrome; Hereditary breast and ovarian cancer; Hereditary breast and ovarian cancer syndrome (HBOC); BRCA1- and BRCA2-Associated Hereditary Breast and Ovarian Cancer. Identifiers: Orphanet 145, MedGen C0677776, MeSH D061325, MONDO:0003582. Disease mechanism: loss of function.
Breast-ovarian cancer, familial, susceptibility to, 1 (BROVCA1). Also called: BRCA1 Hereditary Breast and Ovarian Cancer; OVARIAN CANCER, SUSCEPTIBILITY TO. Identifiers: Orphanet 145, MedGen C2676676, MONDO:0011450, OMIM 604370. Disease mechanism: loss of function.
Familial cancer of breast. Also called: Hereditary breast cancer; hereditary breast carcinoma; BREAST CANCER, FAMILIAL. Identifiers: Orphanet 227535, MedGen C0346153, MONDO:0016419, OMIM 114480. Disease mechanism: loss of function.

Allele frequency attached by ClinVar (database versions not stated): TOPMed 0.30294; gnomAD 0.30647 and 0.31400; gnomAD exomes 0.33441; 1000 Genomes Project 30x 0.34916; 1000 Genomes Project 0.35463.

Submissions (11):

Evidence-based Network for the Interpretation of Germline Mutant Alleles (ENIGMA)
Classification: Benign for Breast-ovarian cancer, familial 1. Last evaluated: 2015-01-12. Review status: reviewed by expert panel. Criteria: ENIGMA BRCA1/2 Classification Criteria (2015). Collection method: curation. Allele origin: germline.
Comment: Class 1 not pathogenic based on frequency >1% in an outbred sampleset. Frequency 0.3322 (Asian), 0.2175 (African), 0.3615 (European), derived from 1000 genomes (2012-04-30).

National Health Laboratory Service, Universitas Academic Hospital and University of the Free State
Classification: Benign for Hereditary breast ovarian cancer syndrome. Last evaluated: 2022-04-19. Review status: criteria provided, single submitter. Criteria: ACMG Guidelines, 2015. Collection method: clinical testing. Allele origin: germline. Affected: yes. Observed: 633 variant alleles. Not counted in ClinVar's aggregate classification.

GeneDx
Classification: Benign. Last evaluated: 2015-03-03. Review status: criteria provided, single submitter. Criteria: GeneDx Variant Classification Process June 2021. Collection method: clinical testing. Allele origin: germline. Affected: yes. Not counted in ClinVar's aggregate classification.

Genome Diagnostics Laboratory, University Medical Center Utrecht
Classification: Benign for Breast-ovarian cancer, familial, susceptibility to, 1. Last evaluated: 2014-10-09. Review status: criteria provided, single submitter. Criteria: ACGS Guidelines, 2013. Collection method: clinical testing. Allele origin: germline. Affected: yes. Study: VKGL Data-share Consensus. Not counted in ClinVar's aggregate classification.

Breakthrough Genomics
Classification: Benign. Review status: criteria provided, single submitter. Criteria: ACMG Guidelines, 2015. Collection method: not provided. Allele origin: germline. Inheritance: Autosomal recessive inheritance. Affected: yes. Not counted in ClinVar's aggregate classification.

GreenArray Genomic Research & Solutions of Accurate Diagnostic Private Limited
Classification: Benign for Breast-ovarian cancer, familial, susceptibility to, 1. Review status: criteria provided, single submitter. Criteria: ACMG Guidelines, 2015. Collection method: clinical testing. Allele origin: germline. Affected: no. Not counted in ClinVar's aggregate classification.

Breast Cancer Information Core (BIC) (BRCA1)
No classification provided. Condition: Breast-ovarian cancer, familial 1. Review status: no classification provided. Collection method: clinical testing. Allele origin: germline. Affected: yes. Observed: 220 variant alleles. Not counted in ClinVar's aggregate classification.

Clinical Genetics Laboratory, Department of Pathology, Netherlands Cancer Institute
Classification: Benign. Review status: no assertion criteria provided. Collection method: clinical testing. Allele origin: germline. Affected: yes. Study: VKGL Data-share Consensus. Not counted in ClinVar's aggregate classification.

Department of Pathology and Laboratory Medicine, Sinai Health System
Classification: Benign. Review status: no assertion criteria provided. Collection method: clinical testing. Allele origin: unknown. Affected: yes. Observed: 225 variant alleles. Study: The Canadian Open Genetics Repository (COGR). Not counted in ClinVar's aggregate classification.

Faculté Pluridciplinaire Nador, Université Mohamed Premier
Classification: Tier IV - Benign/Likely benign for Familial cancer of breast. Review status: no assertion criteria provided. Collection method: research. Allele origin: somatic. Affected: yes.
Comment: The following databases and algorithms are used to annotate and evaluate the impact of the variant in the context of human disease: 1000 genomes, gnomAD, ClinVar, OMIM, dbSNP, NCIB RefSeq Genes, ExAC Gene Constraints, VS-SIFT, VS-PolyPhen2, PhyloP, GERP++, GeneSplicer, MaxEntScan, NNSplice, PWM Splice Predictor.

Joint Genome Diagnostic Labs from Nijmegen and Maastricht, Radboudumc and MUMC+
Classification: Benign. Review status: no assertion criteria provided. Collection method: clinical testing. Allele origin: germline. Affected: yes. Study: VKGL Data-share Consensus. Not counted in ClinVar's aggregate classification.

Literature cited by the submitters: DOI 10.3389/fgene.2022.834265 (cited by National Health Laboratory Service, Universitas Academic Hospital and University of the Free State); Konstantopoulou et al, Hu Mut 2000 (cited by Breast Cancer Information Core (BIC) (BRCA1)); Ladopolou-et-al.,-Cancer-Lett,-185:61,-2002 (cited by Breast Cancer Information Core (BIC) (BRCA1)).